The following is an entry in ClinVar:

NM_004006.3(DMD):c.8530C>T (p.Gln2844Ter)

Gene: DMD (dystrophin; minus strand). Cytogenetic location: Xp21.2.
Variant type: single nucleotide variant.
Coding change: c.8530C>T on transcript NM_004006.3 (MANE Select); coding-DNA position 8530, C replaced by T.
Protein change: p.Gln2844Ter; replaces glutamine 2844 with a stop codon.
Molecular consequence: nonsense.
Genome position (GRCh38, 1-based): chrX:31,496,805, G>A on the plus strand (C>T on the coding strand, the complement: DMD is on the minus strand). VCF-style: chrX-31496805-G-A. GRCh37 (hg19) VCF-style: chrX-31514922-G-A.
Other names: c.8506C>T, p.Gln2836Ter (NM_000109.4); c.8518C>T, p.Gln2840Ter (NM_004009.3); c.8161C>T, p.Gln2721Ter (NM_004010.3); c.4507C>T, p.Gln1503Ter (NM_004011.4); c.4498C>T, p.Gln1500Ter (NM_004012.4); c.1150C>T, p.Gln384Ter (NM_004013.3, NM_004020.4, NM_004021.3 and 2 more transcripts); c.343C>T, p.Gln115Ter (NM_004014.3); short protein forms Q115*, Q1500*, Q2836*, Q2840*, Q2721*, Q384*, Q1503*, Q2844*.
Identifiers: ClinVar variation 2706542 (VCV002706542.3), dbSNP rs2525730822, ClinGen allele CA412655389.
Genomic context (GRCh38, chrX:31,496,805, plus strand): 5'-TGTGCTTAACATGTGCAAGGCACGAGGCTTAAAAATGTCCTACCCTATGTACATCGTTCT[G>A]CTTCTGAACTGCTGGAAAGTCGCCTCCAATAGGTGCCTGCCGGCTTAATTCATCATCTTT-3'

ClinVar aggregate classification (germline): Pathogenic (1 of 4 stars; one submission).

Conditions:
Duchenne muscular dystrophy (DMD). Also called: MUSCULAR DYSTROPHY, PSEUDOHYPERTROPHIC PROGRESSIVE, DUCHENNE TYPE; Duchenne Muscular Dystrophy (DMD). Identifiers: Orphanet 98896, MedGen C0013264, MONDO:0010679, OMIM 310200.

Submission:

Labcorp Genetics (formerly Invitae), Labcorp
Classification: Pathogenic for Duchenne muscular dystrophy. Last evaluated: 2023-12-30. Review status: criteria provided, single submitter. Criteria: Invitae Variant Classification Sherloc (09022015). Collection method: clinical testing. Allele origin: germline.
Comment: This sequence change creates a premature translational stop signal (p.Gln2844*) in the DMD gene. It is expected to result in an absent or disrupted protein product. Loss-of-function variants in DMD are known to be pathogenic (PMID: 16770791, 25007885). This variant is not present in population databases (gnomAD no frequency). This premature translational stop signal has been observed in individual(s) with clinical features of DMD-related conditions (PMID: 33843695). For these reasons, this variant has been classified as Pathogenic.

Literature cited by the submitters: PubMed 16770791; PubMed 25007885; PubMed 33843695.